The following is an entry in ClinVar:

NM_016816.4(OAS1):c.174G>A (p.Val58=)

Genes: OAS1 (2'-5'-oligoadenylate synthetase 1; plus strand), LOC130008812 (ATAC-STARR-seq lymphoblastoid active region 7052; plus strand). Cytogenetic location: 12q24.13.
Variant type: single nucleotide variant.
Coding change: c.174G>A on transcript NM_016816.4 (MANE Select); coding-DNA position 174, G replaced by A.
Protein change: p.Val58=; no amino-acid change (valine 58 retained).
Molecular consequence: synonymous variant. On other transcripts: non-coding transcript variant (9).
Genome position (GRCh38, 1-based): chr12:112,907,213, G>A. VCF-style: chr12-112907213-G-A. GRCh37 (hg19) VCF-style: chr12-113345018-G-A.
Other names: c.174G>A, p.Val58= (NM_001032409.3, NM_001320151.2, NM_001406020.1 and 11 more transcripts).
Identifiers: ClinVar variation 3056096 (VCV003056096.2), dbSNP rs2043309267, ClinGen allele CA481904731.
Genomic context (GRCh38, chr12:112,907,213, plus strand): 5'-TGGGTTCCTGAAGGAAAGGTGCTTCCGAGGTAGCTCCTACCCTGTGTGTGTGTCCAAGGT[G>A]GTAAAGGTGAGTCCAGGCCTGCCTGGCCAGGGGAGGGGTGGCTGAATGTGCAAGAGTTGA-3'
Protein context (NP_058132.2, residues 48-68): GSSYPVCVSK[Val58=]VKGGSSGKGT

ClinVar aggregate classification (germline): Likely benign (0 of 4 stars; one submission).

Conditions:
OAS1-related disorder. Also called: OAS1-related condition.

Allele frequency attached by ClinVar (database versions not stated): gnomAD 0.00001.
gnomAD v4.1: 1 of 1,614,004 alleles (0.000062%); highest among the groups gnomAD compares: African/African-American, 0.0013%; no homozygotes.

Submission:

PreventionGenetics, part of Exact Sciences
Classification: Likely benign for OAS1-related condition. Last evaluated: 2023-10-18. Review status: no assertion criteria provided. Collection method: clinical testing. Allele origin: germline.
Comment: This variant is classified as likely benign based on ACMG/AMP sequence variant interpretation guidelines (Richards et al. 2015 PMID: 25741868, with internal and published modifications).